The following is an entry in ClinVar:

NM_021252.5(RAB18):c.*3939A>T

Gene: RAB18 (RAB18, member RAS oncogene family; plus strand). Cytogenetic location: 10p12.1.
Variant type: single nucleotide variant.
Coding change: c.*3939A>T on transcript NM_021252.5 (MANE Select); 3939 bases downstream of the stop codon, A replaced by T.
Molecular consequence: 3 prime UTR variant. On other transcripts: non-coding transcript variant (1).
Genome position (GRCh38, 1-based): chr10:27,541,990, A>T. VCF-style: chr10-27541990-A-T. GRCh37 (hg19) VCF-style: chr10-27830919-A-T.
Other names: c.*3939A>T (NM_001256410.2, NM_001256412.2); c.*3899A>T (NM_001256411.2).
Identifiers: ClinVar variation 299881 (VCV000299881.5), dbSNP rs1047915, ClinGen allele CA5452615.

ClinVar aggregate classification (germline): Benign (1 of 4 stars; one submission).

Conditions:
Warburg micro syndrome 3 (WARBM3). Also called: MICRO SYNDROME 3. Identifiers: Orphanet 2510, MedGen C3280203, MONDO:0013638, OMIM 614222.

Allele frequency attached by ClinVar (database versions not stated): 1000 Genomes Project 0.00879; 1000 Genomes Project 30x 0.00890; ExAC 0.01570; gnomAD exomes 0.01754 and 0.02226; TOPMed 0.01795; gnomAD 0.01891 and 0.01932.
gnomAD v4.1: 9,570 of 454,024 alleles (2.1%); highest among the groups gnomAD compares: Non-Finnish European, 3.1%; 145 homozygotes.

Submission:

Illumina Laboratory Services, Illumina
Classification: Benign for Warburg micro syndrome 3. Last evaluated: 2018-01-13. Review status: criteria provided, single submitter. Criteria: ICSL Variant Classification Criteria 13 December 2019. Collection method: clinical testing. Allele origin: germline.
Comment: This variant was observed in the ICSL laboratory as part of a predisposition screen in an ostensibly healthy population. It had not been previously curated by ICSL or reported in the Human Gene Mutation Database (HGMD: prior to June 1st, 2018), and was therefore a candidate for classification through an automated scoring system. Utilizing variant allele frequency, disease prevalence and penetrance estimates, and inheritance mode, an automated score was calculated to assess if this variant is too frequent to cause the disease. Based on the score and internal cut-off values, a variant classified as benign is not then subjected to further curation. The score for this variant resulted in a classification of benign for this disease.